The following is an entry in ClinVar:

NM_000051.4(ATM):c.4794C>T (p.Leu1598=)

Gene: ATM (ATM serine/threonine kinase; plus strand). Cytogenetic location: 11q22.3.
Variant type: single nucleotide variant.
Coding change: c.4794C>T on transcript NM_000051.4 (MANE Select); coding-DNA position 4794, C replaced by T.
Protein change: p.Leu1598=; no amino-acid change (leucine 1598 retained).
Molecular consequence: synonymous variant.
Genome position (GRCh38, 1-based): chr11:108,294,944, C>T. VCF-style: chr11-108294944-C-T. GRCh37 (hg19) VCF-style: chr11-108165671-C-T.
Other names: c.4794C>T, p.Leu1598= (NM_001351834.2).
Identifiers: ClinVar variation 1743123 (VCV001743123.7), dbSNP rs2083034493, ClinGen allele CA382536322.

ClinVar aggregate classification (germline): Benign/Likely benign. Review status: criteria provided, multiple submitters, no conflicts (2 of 4 stars). 3 submissions from 3 submitters: Benign (1); Likely benign (2). Last evaluated 2026-01-09.

Conditions:
Hereditary cancer-predisposing syndrome. Also called: Neoplastic Syndromes, Hereditary; Tumor predisposition; Hereditary Cancer Syndrome; Hereditary neoplastic syndrome. Identifiers: Orphanet 140162, MedGen C0027672, MeSH D009386, MONDO:0015356.
Familial cancer of breast. Also called: BREAST CANCER, FAMILIAL; Hereditary breast cancer; hereditary breast carcinoma. Identifiers: Orphanet 227535, MedGen C0346153, MONDO:0016419, OMIM 114480. Disease mechanism: loss of function.
Ataxia-telangiectasia syndrome (AT). Also called: LOUIS-BAR SYNDROME; Cerebello-oculocutaneous telangiectasia; Immunodeficiency with ataxia telangiectasia; Ataxia-telangiectasia, complementation group D; AT, COMPLEMENTATION GROUP C; ATAXIA-TELANGIECTASIA, COMPLEMENTATION GROUP A. Identifiers: Orphanet 100, MedGen C0004135, MONDO:0008840, OMIM 208900.

gnomAD v4.1: 9 of 1,613,766 alleles (0.00056%); highest among the groups gnomAD compares: Non-Finnish European, 0.00076%; no homozygotes.

Submissions (3):

Labcorp Genetics (formerly Invitae), Labcorp
Classification: Likely benign for Ataxia-telangiectasia syndrome. Last evaluated: 2026-01-09. Review status: criteria provided, single submitter. Criteria: Invitae Variant Classification Sherloc (09022015). Collection method: clinical testing. Allele origin: germline.

Myriad Genetics, Inc.
Classification: Benign for Familial cancer of breast. Last evaluated: 2024-05-21. Review status: criteria provided, single submitter. Criteria: Myriad Autosomal Dominant, Autosomal Recessive and X-Linked Classification Criteria (2023). Collection method: clinical testing. Allele origin: unknown.
Comment: This variant is considered benign. This variant is a silent/synonymous amino acid change and it is not expected to impact splicing.

Ambry Genetics
Classification: Likely benign for Hereditary cancer-predisposing syndrome. Last evaluated: 2021-10-11. Review status: criteria provided, single submitter. Criteria: Ambry Variant Classification Scheme 2023. Collection method: clinical testing. Allele origin: germline.